The following is an entry in ClinVar:

ClinVar aggregate classification (germline): Uncertain significance (1 of 4 stars; one submission).

Submission:

Labcorp Genetics (formerly Invitae), Labcorp
Classification: Uncertain significance. Last evaluated: 2023-03-01. Review status: criteria provided, single submitter. Criteria: Invitae Variant Classification Sherloc (09022015). Collection method: clinical testing. Allele origin: germline.
Comment: In summary, the available evidence is currently insufficient to determine the role of this variant in disease. Therefore, it has been classified as a Variant of Uncertain Significance. Experimental studies and prediction algorithms are not available or were not evaluated, and the functional significance of this variant is currently unknown. This variant has not been reported in the literature in individuals affected with GRIN2D-related conditions. The frequency data for this variant in the population databases is considered unreliable, as metrics indicate insufficient coverage at this position in the gnomAD database. This sequence change replaces proline, which is neutral and non-polar, with arginine, which is basic and polar, at codon 1074 of the GRIN2D protein (p.Pro1074Arg).

NM_000836.4(GRIN2D):c.3221_3222delinsGG (p.Pro1074Arg)

Gene: GRIN2D (glutamate ionotropic receptor NMDA type subunit 2D; plus strand). Cytogenetic location: 19q13.33.
Variant type: Indel.
Coding change: c.3221_3222delinsGG on transcript NM_000836.4 (MANE Select); coding-DNA positions 3221 to 3222, CA replaced by GG.
Protein change: p.Pro1074Arg; replaces proline 1074 with arginine.
Molecular consequence: missense variant.
Genome position (GRCh38, 1-based): chr19:48,443,147-48,443,148, CA replaced by GG. VCF-style: chr19-48443147-CA-GG. GRCh37 (hg19) VCF-style: chr19-48946404-CA-GG.
Other names: short protein forms P1074R.
Identifiers: ClinVar variation 2964017 (VCV002964017.3), dbSNP rs2513692793, ClinGen allele CA2740096953.
Genomic context (GRCh38, chr19:48,443,147, plus strand): 5'-GCCCGCCGGCGCCCGCGCGGTGGCCGCGCTCGGACCCCGAGAGCCAACCCCTGCTGGGGC[CA>GG]GGCGCGGGCGGCGCGGGGGGCACGGGGGGCGCAGGCGGAGGAGCCCCGGCCGCTCCGCCC-3'
Protein context (NP_000827.2, residues 1064-1084): SDPESQPLLG[Pro1074Arg]GAGGAGGTGG